The following is an entry in ClinVar:

NM_000370.3(TTPA):c.663+1G>A

Gene: TTPA (alpha tocopherol transfer protein; minus strand). Cytogenetic location: 8q12.3.
Variant type: single nucleotide variant.
Coding change: c.663+1G>A on transcript NM_000370.3 (MANE Select); the canonical splice donor site of the intron after coding-DNA position 663, G replaced by A.
Molecular consequence: splice donor variant. On other transcripts: intron variant (2).
Genome position (GRCh38, 1-based): chr8:63,064,205, C>T on the plus strand (G>A on the coding strand, the complement: TTPA is on the minus strand). VCF-style: chr8-63064205-C-T. GRCh37 (hg19) VCF-style: chr8-63976764-C-T.
Other names: c.205-2780G>A (NM_001413417.1); c.315+1G>A (NM_001413414.1); c.359-2780G>A (NM_001413415.1); c.663+1G>A (NM_001413416.1); c.780+1G>A (NM_001413418.1).
Identifiers: ClinVar variation 1452309 (VCV001452309.9), dbSNP rs1254934478, ClinGen allele CA371332022.

ClinVar aggregate classification (germline): Pathogenic/Likely pathogenic. Review status: criteria provided, multiple submitters, no conflicts (2 of 4 stars). 3 submissions from 3 submitters: Pathogenic (2); Likely pathogenic (1). Last evaluated 2026-07-14.

Conditions:
Familial isolated deficiency of vitamin E (AVED). Also called: ATAXIA, FRIEDREICH-LIKE, WITH SELECTIVE VITAMIN E DEFICIENCY; Ataxia with isolated vitamin E deficiency. Identifiers: Orphanet 96, MedGen C1848533, MONDO:0010188, OMIM 277460.

Submissions (3):

Clinical Genetics Laboratory, Skane University Hospital Lund
Classification: Pathogenic for Familial isolated deficiency of vitamin E. Last evaluated: 2026-07-14. Review status: criteria provided, single submitter. Criteria: ACMG Guidelines, 2015. Collection method: clinical testing. Allele origin: germline. Inheritance: Autosomal recessive inheritance. Affected: yes. Observed: 1 variant allele, 1 homozygote.
Comment: TTPA (NM_000370.3) c.663+1G>A, p.? represents a nucleotide substitution at a canonical donor splice site, which is predicted to result in aberrant splicing of exon 4 and thereby a truncated protein or loss of protein expression from the allele. TTPA c.663+1G>A has not been detected in the general population (gnomAD version 4.1.1) and is reported as likely pathogenic/pathogenic in the ClinVar database (Accession: VCV001452309.8). The variant has been observed in a homozygous state in two brothers with AVED (Ataxia with isolated vitamin E deficiency) at our laboratory. TTPA c.663+1G>A has been classified as pathogenic (class 5) based on the following ACMG criteria: PVS1, PM2, PM3_supporting, PP1_moderate.

Labcorp Genetics (formerly Invitae), Labcorp
Classification: Pathogenic. Last evaluated: 2021-11-26. Review status: criteria provided, single submitter. Criteria: Invitae Variant Classification Sherloc (09022015). Collection method: clinical testing. Allele origin: germline.
Comment: This variant has not been reported in the literature in individuals affected with TTPA-related conditions. Variants that disrupt the consensus splice site are a relatively common cause of aberrant splicing (PMID: 17576681, 9536098). Algorithms developed to predict the effect of sequence changes on RNA splicing suggest that this variant may disrupt the consensus splice site. This variant disrupts a region of the TTPA protein in which other variant(s) (p.Glu249Asnfs*15) have been determined to be pathogenic (PMID: 26068213). This suggests that this is a clinically significant region of the protein, and that variants that disrupt it are likely to be disease-causing. For these reasons, this variant has been classified as Pathogenic. This variant is not present in population databases (gnomAD no frequency). This sequence change affects a donor splice site in intron 4 of the TTPA gene. While this variant is not anticipated to result in nonsense mediated decay, it likely alters RNA splicing and results in a disrupted protein product.

Juno Genomics, Hangzhou Juno Genomics, Inc
Classification: Likely pathogenic for Familial isolated deficiency of vitamin E. Review status: criteria provided, single submitter. Criteria: ACMG Guidelines, 2015. Collection method: clinical testing. Allele origin: germline. Affected: yes.
Comment: Absent from controls (or at extremely low frequency if recessive) in Genome Aggregation Database, Exome Sequencing Project, 1000 Genomes Project, or Exome Aggregation Consortium.;Null variant in a gene where loss of function (LOF) is a known mechanism of disease.;For recessive disorders, detected in trans with a pathogenic variant.

Literature cited by the submitters: PubMed 17576681 (cited by Labcorp Genetics (formerly Invitae), Labcorp); PubMed 9536098 (cited by Labcorp Genetics (formerly Invitae), Labcorp); PubMed 26068213 (cited by Labcorp Genetics (formerly Invitae), Labcorp).